The following is an entry in ClinVar:

NM_000179.3(MSH6):c.3201T>C (p.Ser1067=)

Gene: MSH6 (mutS homolog 6; plus strand). Cytogenetic location: 2p16.3.
Variant type: single nucleotide variant.
Coding change: c.3201T>C on transcript NM_000179.3 (MANE Select); coding-DNA position 3201, T replaced by C.
Protein change: p.Ser1067=; no amino-acid change (serine 1067 retained).
Molecular consequence: synonymous variant.
Genome position (GRCh38, 1-based): chr2:47,803,448, T>C. VCF-style: chr2-47803448-T-C. GRCh37 (hg19) VCF-style: chr2-48030587-T-C.
Other names: c.2811T>C, p.Ser937= (NM_001281492.2); c.2295T>C, p.Ser765= (NM_001281493.2, NM_001281494.2).
Identifiers: ClinVar variation 237181 (VCV000237181.18), dbSNP rs878853731, ClinGen allele CA10582081.

ClinVar aggregate classification (germline): Benign/Likely benign. Review status: criteria provided, multiple submitters, no conflicts (2 of 4 stars). 5 submissions from 5 submitters: Benign (1); Likely benign (4). Last evaluated 2025-09-02.

Conditions:
Hereditary cancer-predisposing syndrome. Also called: Hereditary neoplastic syndrome; Hereditary Cancer Syndrome; Neoplastic Syndromes, Hereditary; Tumor predisposition. Identifiers: Orphanet 140162, MedGen C0027672, MeSH D009386, MONDO:0015356.
Hereditary nonpolyposis colorectal neoplasms. Identifiers: MedGen C0009405, MeSH D003123.
Lynch syndrome. Identifiers: Orphanet 144, MedGen C4552100, MONDO:0005835. Disease mechanism: loss of function.
Lynch syndrome 5 (LYNCH5). Also called: Hereditary non-polyposis colorectal cancer, type 5; Colorectal cancer, hereditary nonpolyposis, type 5. Identifiers: Orphanet 144, MedGen C1833477, MONDO:0013710, OMIM 614350. Disease mechanism: loss of function.

Allele frequency attached by ClinVar (database versions not stated): TOPMed 0.00001.

Submissions (5):

Labcorp Genetics (formerly Invitae), Labcorp
Classification: Likely benign for Hereditary nonpolyposis colorectal neoplasms. Last evaluated: 2025-09-02. Review status: criteria provided, single submitter. Criteria: Invitae Variant Classification Sherloc (09022015). Collection method: clinical testing. Allele origin: germline.

Myriad Genetics, Inc.
Classification: Benign for Lynch syndrome 5. Last evaluated: 2025-01-03. Review status: criteria provided, single submitter. Criteria: Myriad Autosomal Dominant, Autosomal Recessive and X-Linked Classification Criteria (2023). Collection method: clinical testing. Allele origin: unknown.
Comment: This variant is considered benign. This variant is a silent/synonymous amino acid change and it is not expected to impact splicing.

All of Us Research Program, National Institutes of Health
Classification: Likely benign for Lynch syndrome. Last evaluated: 2023-12-01. Review status: criteria provided, single submitter. Criteria: ACMG Guidelines, 2015. Collection method: clinical testing. Allele origin: germline. Inheritance: Autosomal dominant inheritance. Observed: 2 variant alleles, 2 heterozygotes.
Comment: This study involves interpretation of variants in research participants for the purpose of population health screening. Participant phenotype was not available at the time of variant classification. Additional details can be found in publication PMID: 35346344, PMCID: PMC8962531

Color Diagnostics, LLC DBA Color Health
Classification: Likely benign for Hereditary cancer-predisposing syndrome. Last evaluated: 2020-03-30. Review status: criteria provided, single submitter. Criteria: ACMG Guidelines, 2015. Collection method: clinical testing. Allele origin: germline.

Ambry Genetics
Classification: Likely benign for Hereditary cancer-predisposing syndrome. Last evaluated: 2020-03-20. Review status: criteria provided, single submitter. Criteria: Ambry Variant Classification Scheme 2023. Collection method: clinical testing. Allele origin: germline.